The following is an entry in ClinVar:

ClinVar aggregate classification (germline): Conflicting classifications of pathogenicity. Review status: criteria provided, conflicting classifications (1 of 4 stars). 5 submissions from 5 submitters: Uncertain significance (3); Likely benign (1). 1 of the submissions does not count toward it. Last evaluated 2026-05-28.

Conditions:
SACS-related disorder. Also called: SACS-related condition.
Inborn genetic diseases. Identifiers: MedGen C0950123, MeSH D030342.
Spastic paraplegia. Identifiers: MedGen C0037772, HP:0001258.
Charlevoix-Saguenay spastic ataxia (SACS). Also called: AUTOSOMAL RECESSIVE SPASTIC ATAXIA OF CHARLEVOIX-SAGUENAY; SPASTIC ATAXIA 6, AUTOSOMAL RECESSIVE; Spastic ataxia of Charlevoix-Saguenay. Identifiers: Orphanet 98, MedGen C1849140, MONDO:0010041, OMIM 270550.

Allele frequency attached by ClinVar (database versions not stated): gnomAD exomes 0.00003 and 0.00005; ExAC 0.00005; 1000 Genomes Project 0.00020; TOPMed 0.00029; 1000 Genomes Project 30x 0.00031; ESP Exome Variant Server 0.00031; gnomAD 0.00031 and 0.00032.

Submissions (5):

PreventionGenetics, part of Exact Sciences
Classification: Uncertain significance for SACS-related condition. Last evaluated: 2026-05-28. Review status: criteria provided, single submitter. Criteria: ACMG Guidelines, 2015. Collection method: clinical testing. Allele origin: germline.
Comment: The SACS c.5583G>C variant is predicted to result in the amino acid substitution p.Trp1861Cys. To our knowledge, this variant has not been reported in the literature. This variant is reported in 0.060% of alleles in individuals of African descent in gnomAD. Although we suspect that this variant may be benign, at this time, the clinical significance of this variant is uncertain due to the absence of conclusive functional and genetic evidence.

Labcorp Genetics (formerly Invitae), Labcorp
Classification: Likely benign for Spastic paraplegia. Last evaluated: 2025-12-27. Review status: criteria provided, single submitter. Criteria: Invitae Variant Classification Sherloc (09022015). Collection method: clinical testing. Allele origin: germline.

Ambry Genetics
Classification: Uncertain significance for Inborn genetic diseases. Last evaluated: 2022-08-30. Review status: criteria provided, single submitter. Criteria: Ambry Variant Classification Scheme 2023. Collection method: clinical testing. Allele origin: germline.

Athena Diagnostics
Classification: Uncertain significance. Last evaluated: 2021-08-05. Review status: criteria provided, single submitter. Criteria: Athena Diagnostics Criteria. Collection method: clinical testing. Allele origin: unknown.

Natera, Inc.
Classification: Uncertain significance for Charlevoix-Saguenay type spastic ataxia. Last evaluated: 2020-09-16. Review status: no assertion criteria provided. Collection method: clinical testing. Allele origin: germline. Not counted in ClinVar's aggregate classification.

NM_014363.6(SACS):c.5583G>C (p.Trp1861Cys)

Gene: SACS (sacsin molecular chaperone; minus strand). Cytogenetic location: 13q12.12.
Variant type: single nucleotide variant.
Coding change: c.5583G>C on transcript NM_014363.6 (MANE Select); coding-DNA position 5583, G replaced by C.
Protein change: p.Trp1861Cys; replaces tryptophan 1861 with cysteine.
Molecular consequence: missense variant.
Genome position (GRCh38, 1-based): chr13:23,338,293, C>G on the plus strand (G>C on the coding strand, the complement: SACS is on the minus strand). VCF-style: chr13-23338293-C-G. GRCh37 (hg19) VCF-style: chr13-23912432-C-G.
Other names: c.5583G>C (NM_014363.5); c.5142G>C, p.Trp1714Cys (NM_001278055.2); short protein forms W1861C, W1714C.
Identifiers: ClinVar variation 448208 (VCV000448208.10), dbSNP rs140678034, ClinGen allele CA6911227.